The following is an entry in ClinVar:

NM_152268.4(PARS2):c.-29-226G>A

Gene: PARS2 (prolyl-tRNA synthetase 2, mitochondrial; minus strand). Cytogenetic location: 1p32.3.
Variant type: single nucleotide variant.
Coding change: c.-29-226G>A on transcript NM_152268.4 (MANE Select); 226 bases into the intron before 29 bases upstream of the start codon, G replaced by A.
Molecular consequence: intron variant.
Genome position (GRCh38, 1-based): chr1:54,759,416, C>T on the plus strand (G>A on the coding strand, the complement: PARS2 is on the minus strand). VCF-style: chr1-54759416-C-T. GRCh37 (hg19) VCF-style: chr1-55225089-C-T.
Identifiers: ClinVar variation 671511 (VCV000671511.1), dbSNP rs12024612, ClinGen allele CA10807111.

ClinVar aggregate classification (germline): Benign (1 of 4 stars; one submission).

Allele frequency attached by ClinVar (database versions not stated): gnomAD 0.20358 and 0.21045; TOPMed 0.22822; 1000 Genomes Project 30x 0.29809; 1000 Genomes Project 0.30312.
gnomAD v4.1: 32,065 of 152,128 alleles (21%); highest among the groups gnomAD compares: East Asian, 59%; 3,952 homozygotes.

Submission:

GeneDx
Classification: Benign. Last evaluated: 2018-06-14. Review status: criteria provided, single submitter. Criteria: GeneDx Variant Classification (06012015). Collection method: clinical testing. Allele origin: germline. Affected: yes.
Comment: This variant is considered likely benign or benign based on one or more of the following criteria: it is a conservative change, it occurs at a poorly conserved position in the protein, it is predicted to be benign by multiple in silico algorithms, and/or has population frequency not consistent with disease.